The following is an entry in ClinVar:

NM_001029.5(RPS26):c.312+1G>C

Gene: RPS26 (ribosomal protein S26; plus strand). Cytogenetic location: 12q13.2.
Variant type: single nucleotide variant.
Coding change: c.312+1G>C on transcript NM_001029.5 (MANE Select); the canonical splice donor site of the intron after coding-DNA position 312, G replaced by C.
Molecular consequence: splice donor variant.
Genome position (GRCh38, 1-based): chr12:56,043,494, G>C. VCF-style: chr12-56043494-G-C. GRCh37 (hg19) VCF-style: chr12-56437278-G-C.
Identifiers: ClinVar variation 1727856 (VCV001727856.2), dbSNP rs2540723664, ClinGen allele CA385327475.

ClinVar aggregate classification (germline): Likely pathogenic (1 of 4 stars; one submission).

Conditions:
Diamond-Blackfan anemia. Also called: Blackfan Diamond syndrome; Aregenerative anemia chronic congenital; Red cell aplasia, pure hereditary; Congenital hypoplastic anemia; Aase syndrome. Identifiers: Orphanet 124, MedGen C1260899, MeSH D029503, MONDO:0015253, HP:0004810.

Submission:

Ambry Genetics
Classification: Likely pathogenic for Diamond-Blackfan anemia. Last evaluated: 2016-12-11. Review status: criteria provided, single submitter. Criteria: Ambry Variant Classification Scheme 2023. Collection method: clinical testing. Allele origin: germline.
Comment: The c.312+1G>C intronic variant results from a G to C substitution one nucleotide after coding exon 3 of the RPS26 gene. This nucleotide position is highly conserved in available vertebrate species. Using the BDGP and ESEfinder splice site prediction tools, this alteration is predicted to abolish the native splice donor site; however, direct evidence is unavailable. Alterations that disrupt the canonical splice site are expected to cause aberrant splicing, resulting in an abnormal protein or a transcript that is subject to nonsense-mediated mRNA decay. As such, this alteration is classified as likely pathogenic.